The following is an entry in ClinVar:

ClinVar aggregate classification (germline): Pathogenic (1 of 4 stars; one submission).

Conditions:
Retinitis pigmentosa 28 (RP28). Identifiers: Orphanet 791, MedGen C1419614, MONDO:0011630, OMIM 606068.

Submission:

3billion
Classification: Pathogenic for Retinitis pigmentosa 28. Last evaluated: 2022-05-22. Review status: criteria provided, single submitter. Criteria: ACMG Guidelines, 2015. Collection method: clinical testing. Allele origin: germline. Affected: yes. Observed: 1 homozygote.
Comment: The variant is not observed in the gnomAD v2.1.1 dataset. Canonical splice site: predicted to alter splicing and result in a loss or disruption of normal protein function. Multiple pathogenic loss-of-function variants are reported downstream of the variant. The variant has been reported to be associated with FAM161A related disorder (3billion dataset).Therefore, this variant is classified as pathogenic according to the recommendation of ACMG/AMP guideline.

NM_001201543.2(FAM161A):c.1852-2A>T

Gene: FAM161A (FAM161 centrosomal protein A; minus strand). Cytogenetic location: 2p15.
Variant type: single nucleotide variant.
Coding change: c.1852-2A>T on transcript NM_001201543.2 (MANE Select); the canonical splice acceptor site of the intron before coding-DNA position 1852, A replaced by T.
Molecular consequence: splice acceptor variant.
Genome position (GRCh38, 1-based): chr2:61,827,260, T>A on the plus strand (A>T on the coding strand, the complement: FAM161A is on the minus strand). VCF-style: chr2-61827260-T-A. GRCh37 (hg19) VCF-style: chr2-62054395-T-A.
Other names: c.1684-2A>T (NM_032180.3).
Identifiers: ClinVar variation 1687302 (VCV001687302.1), dbSNP rs1672402787, ClinGen allele CA346985016.